The following is an entry in ClinVar:

ClinVar aggregate classification (germline): Uncertain significance (1 of 4 stars; one submission).

Conditions:
Immunodeficiency 51 (IMD51). Also called: CANDIDIASIS, FAMILIAL, 5. Identifiers: Orphanet 1334, MedGen C4310803, MONDO:0013500, OMIM 613953.

Allele frequency attached by ClinVar (database versions not stated): gnomAD 0.00002 and 0.00003; gnomAD exomes 0.00004 and 0.00005; TOPMed 0.00004; ExAC 0.00006; 1000 Genomes Project 30x 0.00016; 1000 Genomes Project 0.00020.
gnomAD v4.1: 71 of 1,611,660 alleles (0.0044%); highest among the groups gnomAD compares: Non-Finnish European, 0.0056%; no homozygotes.

Submission:

Labcorp Genetics (formerly Invitae), Labcorp
Classification: Uncertain significance for Immunodeficiency 51. Last evaluated: 2022-02-16. Review status: criteria provided, single submitter. Criteria: Invitae Variant Classification Sherloc (09022015). Collection method: clinical testing. Allele origin: germline.
Comment: This sequence change replaces aspartic acid, which is acidic and polar, with glutamic acid, which is acidic and polar, at codon 572 of the IL17RA protein (p.Asp572Glu). This variant is present in population databases (rs549305543, gnomAD 0.008%). This variant has not been reported in the literature in individuals affected with IL17RA-related conditions. ClinVar contains an entry for this variant (Variation ID: 1041649). Algorithms developed to predict the effect of missense changes on protein structure and function output the following: SIFT: "Tolerated"; PolyPhen-2: "Benign"; Align-GVGD: "Class C0". The glutamic acid amino acid residue is found in multiple mammalian species, which suggests that this missense change does not adversely affect protein function. In summary, the available evidence is currently insufficient to determine the role of this variant in disease. Therefore, it has been classified as a Variant of Uncertain Significance.

NM_014339.7(IL17RA):c.1716C>G (p.Asp572Glu)

Gene: IL17RA (interleukin 17 receptor A; plus strand). Cytogenetic location: 22q11.1.
Variant type: single nucleotide variant.
Coding change: c.1716C>G on transcript NM_014339.7 (MANE Select); coding-DNA position 1716, C replaced by G.
Protein change: p.Asp572Glu; replaces aspartic acid 572 with glutamic acid.
Molecular consequence: missense variant.
Genome position (GRCh38, 1-based): chr22:17,108,935, C>G. VCF-style: chr22-17108935-C-G. GRCh37 (hg19) VCF-style: chr22-17589825-C-G.
Other names: c.1614C>G, p.Asp538Glu (NM_001289905.2); short protein forms D572E, D538E.
Identifiers: ClinVar variation 1041649 (VCV001041649.4), dbSNP rs549305543, ClinGen allele CA10086834.
Genomic context (GRCh38, chr22:17,108,935, plus strand): 5'-GCTGTCGGGGGACAACTACCTGCGGAGCCCGGGCGGCAGGCAGCTCCGCGCCGCCCTGGA[C>G]AGGTTCCGGGACTGGCAGGTCCGCTGTCCCGACTGGTTCGAATGTGAGAACCTCTACTCA-3'
Protein context (NP_055154.3, residues 562-582): PGGRQLRAAL[Asp572Glu]RFRDWQVRCP